The following is an entry in ClinVar:

ClinVar aggregate classification (germline): Uncertain significance. Review status: criteria provided, multiple submitters, no conflicts (2 of 4 stars). 3 submissions from 3 submitters: Uncertain significance (3). Last evaluated 2025-04-02.

Conditions:
Tietz syndrome (TADS). Also called: ALBINISM-DEAFNESS OF TIETZ; HYPOPIGMENTATION/DEAFNESS OF TIETZ; TIETZ ALBINISM-DEAFNESS SYNDROME. Identifiers: Orphanet 42665, MedGen C0391816, MONDO:0007077, OMIM 103500.
Waardenburg syndrome type 2A (WS2A). Also called: WAARDENBURG SYNDROME WITHOUT DYSTOPIA CANTHORUM. Identifiers: Orphanet 3440, MedGen C1860339, MONDO:0008671, OMIM 193510.
Melanoma, cutaneous malignant, susceptibility to, 8. Also called: Cutaneous malignant melanoma 8; MELANOMA AND RENAL CELL CARCINOMA, SUSCEPTIBILITY TO. Identifiers: Orphanet 293822, MedGen C3152204, MONDO:0013759, OMIM 614456.
Hereditary cancer-predisposing syndrome. Also called: Hereditary neoplastic syndrome; Tumor predisposition; Neoplastic Syndromes, Hereditary; Hereditary Cancer Syndrome. Identifiers: Orphanet 140162, MedGen C0027672, MeSH D009386, MONDO:0015356.

Allele frequency attached by ClinVar (database versions not stated): TOPMed below 0.00001; gnomAD exomes 0.00001.

Submissions (3):

Ambry Genetics
Classification: Uncertain significance for Hereditary cancer-predisposing syndrome. Last evaluated: 2025-04-02. Review status: criteria provided, single submitter. Criteria: Ambry Variant Classification Scheme 2023. Collection method: clinical testing. Allele origin: germline.
Comment: The p.V150I variant (also known as c.448G>A), located in coding exon 5 of the MITF gene, results from a G to A substitution at nucleotide position 448. The valine at codon 150 is replaced by isoleucine, an amino acid with highly similar properties. This amino acid position is conserved. In addition, this alteration is predicted to be tolerated by in silico analysis. Based on the available evidence, the clinical significance of this variant remains unclear.

Labcorp Genetics (formerly Invitae), Labcorp
Classification: Uncertain significance for Melanoma, cutaneous malignant, susceptibility to, 8; Waardenburg syndrome type 2A; Tietz syndrome. Last evaluated: 2024-02-01. Review status: criteria provided, single submitter. Criteria: Invitae Variant Classification Sherloc (09022015). Collection method: clinical testing. Allele origin: germline.
Comment: This sequence change replaces valine, which is neutral and non-polar, with isoleucine, which is neutral and non-polar, at codon 150 of the MITF protein (p.Val150Ile). This variant is present in population databases (rs773730108, gnomAD 0.002%). This variant has not been reported in the literature in individuals affected with MITF-related conditions. Advanced modeling of protein sequence and biophysical properties (such as structural, functional, and spatial information, amino acid conservation, physicochemical variation, residue mobility, and thermodynamic stability) performed at Invitae indicates that this missense variant is not expected to disrupt MITF protein function with a negative predictive value of 80%. In summary, the available evidence is currently insufficient to determine the role of this variant in disease. Therefore, it has been classified as a Variant of Uncertain Significance.

Blueprint Genetics
Classification: Uncertain significance. Last evaluated: 2021-08-24. Review status: criteria provided, single submitter. Criteria: ACMG Guidelines, 2015. Collection method: clinical testing. Allele origin: germline.

NM_001354604.2(MITF):c.769G>A (p.Val257Ile)

Gene: MITF (melanocyte inducing transcription factor; plus strand). Cytogenetic location: 3p13.
Variant type: single nucleotide variant.
Coding change: c.769G>A on transcript NM_001354604.2 (MANE Select); coding-DNA position 769, G replaced by A.
Protein change: p.Val257Ile; replaces valine 257 with isoleucine.
Molecular consequence: missense variant.
Genome position (GRCh38, 1-based): chr3:69,949,057, G>A. VCF-style: chr3-69949057-G-A. GRCh37 (hg19) VCF-style: chr3-69998208-G-A.
Other names: c.448G>A, p.Val150Ile (NM_000248.4, NM_198158.3); c.613G>A, p.Val205Ile (NM_001184967.2, NM_001354608.2); c.766G>A, p.Val256Ile (NM_001354605.2, NM_001354606.2, NM_006722.3); c.718G>A, p.Val240Ile (NM_001354607.2); c.769G>A, p.Val257Ile (NM_198159.3); c.721G>A, p.Val241Ile (NM_198177.3); c.280G>A, p.Val94Ile (NM_198178.3); short protein forms V205I, V94I, V256I, V257I, V150I, V240I, V241I.
Identifiers: ClinVar variation 2927823 (VCV002927823.4), dbSNP rs773730108, ClinGen allele CA77001735.